The following is an entry in ClinVar:

ClinVar aggregate classification (germline): Likely benign (1 of 4 stars; one submission).

Conditions:
Autism (AUTS). Also called: Autistic disorder; Autistic disorder of childhood onset. Identifiers: MedGen C0004352, MeSH D001321, MONDO:0005260, OMIM 209850, HP:0000717.

Submission:

State Key Lab of Medical Genetics, Central South University
Classification: Likely benign for Autism. Review status: criteria provided, single submitter. Criteria: Submitter's publication. Collection method: reference population. Allele origin: unknown. Affected: yes.
Comment: This variant was also observed in controls.

NM_000036.3(AMPD1):c.540C>T (p.Phe180=)

Gene: AMPD1 (adenosine monophosphate deaminase 1; minus strand). Cytogenetic location: 1p13.2.
Variant type: single nucleotide variant.
Coding change: c.540C>T on transcript NM_000036.3 (MANE Select); coding-DNA position 540, C replaced by T.
Protein change: p.Phe180=; no amino-acid change (phenylalanine 180 retained).
Molecular consequence: synonymous variant.
Genome position (GRCh38, 1-based): chr1:114,684,206, G>A on the plus strand (C>T on the coding strand, the complement: AMPD1 is on the minus strand). VCF-style: chr1-114684206-G-A. GRCh37 (hg19) VCF-style: chr1-115226827-G-A.
Other names: c.528C>T, p.Phe176= (NM_001172626.2).
Identifiers: ClinVar variation 91879 (VCV000091879.1), dbSNP rs587779376, ClinGen allele CA211212.